The following is an entry in ClinVar:

NM_000642.3(AGL):c.3770del (p.Gly1257fs)

Gene: AGL (amylo-alpha-1,6-glucosidase and 4-alpha-glucanotransferase; plus strand). Cytogenetic location: 1p21.2.
Variant type: Deletion.
Coding change: c.3770del on transcript NM_000642.3 (MANE Select); coding-DNA position 3770, one base deleted (G; older notation c.3770delG).
Protein change: p.Gly1257fs; shifts the reading frame from glycine 1257.
Molecular consequence: frameshift variant.
Genome position (GRCh38, 1-based): chr1:99,910,781, G deleted; the last of 2 consecutive G bases (chr1:99,910,780-99,910,781); deleting either gives the same sequence. VCF-style (leftmost placement, unchanged base first): chr1-99910779-TG-T. GRCh37 (hg19) VCF-style: chr1-100376335-TG-T.
Other names: c.3770del, p.Gly1257fs (NM_000028.3, NM_000643.3, NM_000644.3 and 1 more transcripts); c.3722del, p.Gly1241fs (NM_000646.3); c.3749del, p.Gly1250fs (NM_001425326.1); c.3569del, p.Gly1190fs (NM_001425327.1); c.3566del, p.Gly1189fs (NM_001425328.1); c.3431del, p.Gly1144fs (NM_001425329.1); c.3392del, p.Gly1131fs (NM_001425332.1); short protein forms G1131fs, G1144fs, G1189fs, G1190fs, G1241fs, G1250fs, G1257fs.
Identifiers: ClinVar variation 4814451 (VCV004814451.1).
Genomic context (GRCh38, chr1:99,910,779, plus strand): 5'-TATAACTGCAGGAGTTGATGAAGAAACAGGATTTGTTTATGGAGGAAATCGTTTCAATTG[TG>T]GCACATGGATGGATAAAATGGGAGAAAGTGACAGAGCTAGAAACAGAGGAATCCCAGCCA-3'

ClinVar aggregate classification (germline): Likely pathogenic (1 of 4 stars; one submission).

Conditions:
Glycogen storage disease type III (GSD3). Also called: FORBES DISEASE; Cori disease. Identifiers: Orphanet 366, MedGen C0017922, MONDO:0009291, OMIM 232400.

Submission:

Natera, Inc.
Classification: Likely pathogenic for Glycogen storage disease type III. Last evaluated: 2024-05-03. Review status: criteria provided, single submitter. Criteria: Natera Variant Classification Schema (03/2026). Collection method: clinical testing. Allele origin: germline.
Comment: The c.3770del variant in AGL is a frameshift variant predicted to shift the reading frame beginning at codon 1257 and leads to a stop codon 33 codons downstream. This variant is expected to result in nonsense mediated decay, truncation, or a dysfunctional protein product. This variant is rare in the general population with a frequency below the threshold expected for the associated phenotype(s). Given the available evidence, this variant is classified as Likely Pathogenic.